The following is an entry in ClinVar:

NM_000138.5(FBN1):c.4575del (p.Cys1526fs)

Gene: FBN1 (fibrillin 1; minus strand). Cytogenetic location: 15q21.1.
Variant type: Deletion.
Coding change: c.4575del on transcript NM_000138.5 (MANE Select); coding-DNA position 4575, one base deleted (C; older notation c.4575delC).
Protein change: p.Cys1526fs; shifts the reading frame from cysteine 1526.
Molecular consequence: frameshift variant.
Genome position (GRCh38, 1-based): chr15:48,468,419, G deleted on the plus strand (C on the coding strand, the reverse complement: FBN1 is on the minus strand). VCF-style (leftmost placement, unchanged base first): chr15-48468418-AG-A. GRCh37 (hg19) VCF-style: chr15-48760615-AG-A.
Other names: c.4575delC (NM_000138.4); short protein forms C1526fs.
Identifiers: ClinVar variation 449899 (VCV000449899.3), dbSNP rs1555397198, ClinGen allele CA658656481.
Genomic context (GRCh38, chr15:48,468,418, plus strand): 5'-TTTCAAAATAATACACAGTATGCTTGCTTCTCTGAAAAGTTTTTAAGGTCTTACCAACAC[AG>A]CCAACTCGAGTTGGGTTCAGTTCAAAATCAGGTGGGCAGTCACAGATATAGCTGCCTGGA-3'

ClinVar aggregate classification (germline): Pathogenic (1 of 4 stars; one submission).

Submission:

GeneDx
Classification: Pathogenic. Last evaluated: 2021-01-05. Review status: criteria provided, single submitter. Criteria: GeneDx Variant Classification Process June 2021. Collection method: clinical testing. Allele origin: germline. Affected: yes.
Comment: Has not been previously published as pathogenic or benign to our knowledge; Not observed in large population cohorts (Lek et al., 2016); Frameshift variant predicted to result in protein truncation or nonsense-mediated decay in a gene for which loss-of-function is a known mechanism of disease